The following is an entry in ClinVar:

ClinVar aggregate classification (germline): Likely benign (1 of 4 stars; one submission).

Allele frequency attached by ClinVar (database versions not stated): TOPMed 0.00009; gnomAD 0.00035; gnomAD exomes 0.00054; ExAC 0.00133; 1000 Genomes Project 30x 0.00297; 1000 Genomes Project 0.00319.

Submission:

CeGaT Center for Human Genetics Tuebingen
Classification: Likely benign. Last evaluated: 2023-03-01. Review status: criteria provided, single submitter. Criteria: CeGaT Center For Human Genetics Tuebingen Variant Classification Criteria Version 2. Collection method: clinical testing. Allele origin: germline. Affected: yes. Observed: 1 variant allele.
Comment: GGT5: BP4, BS2

NM_004121.5(GGT5):c.1352T>G (p.Val451Gly)

Gene: GGT5 (gamma-glutamyltransferase 5; minus strand). Cytogenetic location: 22q11.23.
Variant type: single nucleotide variant.
Coding change: c.1352T>G on transcript NM_004121.5 (MANE Select); coding-DNA position 1352, T replaced by G.
Protein change: p.Val451Gly; replaces valine 451 with glycine.
Molecular consequence: missense variant.
Genome position (GRCh38, 1-based): chr22:24,225,396, A>C on the plus strand (T>G on the coding strand, the complement: GGT5 is on the minus strand). VCF-style: chr22-24225396-A-C. GRCh37 (hg19) VCF-style: chr22-24621364-A-C.
Other names: c.1355T>G, p.Val452Gly (NM_001099781.2); c.1256T>G, p.Val419Gly (NM_001099782.2, NM_001302464.1); c.1124T>G, p.Val375Gly (NM_001302465.1); short protein forms V375G, V419G, V451G, V452G.
Identifiers: ClinVar variation 2652987 (VCV002652987.24), dbSNP rs542440435, ClinGen allele CA10151234.